The following is an entry in ClinVar:

NM_133642.5(LARGE1):c.146C>A (p.Ala49Glu)

Gene: LARGE1 (LARGE xylosyl- and glucuronyltransferase 1; minus strand). Cytogenetic location: 22q12.3.
Variant type: single nucleotide variant.
Coding change: c.146C>A on transcript NM_133642.5 (MANE Select); coding-DNA position 146, C replaced by A.
Protein change: p.Ala49Glu; replaces alanine 49 with glutamic acid.
Molecular consequence: missense variant.
Genome position (GRCh38, 1-based): chr22:33,650,629, G>T on the plus strand (C>A on the coding strand, the complement: LARGE1 is on the minus strand). VCF-style: chr22-33650629-G-T. GRCh37 (hg19) VCF-style: chr22-34046615-G-T.
Other names: c.146C>A, p.Ala49Glu (NM_001362949.2, NM_001362951.2, NM_001362953.2 and 7 more transcripts); short protein forms A49E.
Identifiers: ClinVar variation 4769339 (VCV004769339.1).

ClinVar aggregate classification (germline): Uncertain significance (1 of 4 stars; one submission).

Conditions:
Muscular dystrophy-dystroglycanopathy type B6 (MDDGB6). Also called: MUSCULAR DYSTROPHY, CONGENITAL, LARGE-RELATED; MUSCULAR DYSTROPHY, CONGENITAL, TYPE 1D; MUSCULAR DYSTROPHY-DYSTROGLYCANOPATHY (CONGENITAL WITH IMPAIRED INTELLECTUAL DEVELOPMENT), TYPE B, 6. Identifiers: MedGen C1837229, MONDO:0012138, OMIM 608840.

Submission:

Labcorp Genetics (formerly Invitae), Labcorp
Classification: Uncertain significance for Muscular dystrophy-dystroglycanopathy type B6. Last evaluated: 2025-08-21. Review status: criteria provided, single submitter. Criteria: Invitae Variant Classification Sherloc (09022015). Collection method: clinical testing. Allele origin: germline.
Comment: This sequence change replaces alanine, which is neutral and non-polar, with glutamic acid, which is acidic and polar, at codon 49 of the LARGE1 protein (p.Ala49Glu). This variant is present in population databases (no rsID available, gnomAD 0.01%). This variant has not been reported in the literature in individuals affected with LARGE1-related conditions. An algorithm developed to predict the effect of missense changes on protein structure and function (PolyPhen-2) suggests that this variant is likely to be tolerated. In summary, the available evidence is currently insufficient to determine the role of this variant in disease. Therefore, it has been classified as a Variant of Uncertain Significance.